The following is an entry in ClinVar:

ClinVar aggregate classification (germline): Benign. Review status: criteria provided, multiple submitters, no conflicts (2 of 4 stars). 3 submissions from 3 submitters: Benign (3). Last evaluated 2025-04-09.

Allele frequency attached by ClinVar (database versions not stated): gnomAD exomes 0.03128 and 0.03505; ESP Exome Variant Server 0.05063; gnomAD 0.05369 and 0.05460; TOPMed 0.05471; 1000 Genomes Project 0.06150; 1000 Genomes Project 30x 0.06199; ExAC 0.07766.
gnomAD v4.1: 29,861 of 843,536 alleles (3.5%); highest among the groups gnomAD compares: African/African-American, 13%; 968 homozygotes.

Submissions (3):

Molecular Diagnostic Laboratory for Inherited Cardiovascular Disease, Montreal Heart Institute
Classification: Benign. Last evaluated: 2025-04-09. Review status: criteria provided, single submitter. Criteria: ACMG Guidelines, 2015. Collection method: clinical testing. Allele origin: germline. Affected: no.

GeneDx
Classification: Benign. Last evaluated: 2018-06-14. Review status: criteria provided, single submitter. Criteria: GeneDx Variant Classification (06012015). Collection method: clinical testing. Allele origin: germline. Affected: yes.
Comment: This variant is considered likely benign or benign based on one or more of the following criteria: it is a conservative change, it occurs at a poorly conserved position in the protein, it is predicted to be benign by multiple in silico algorithms, and/or has population frequency not consistent with disease.

Breakthrough Genomics
Classification: Benign. Review status: criteria provided, single submitter. Criteria: ACMG Guidelines, 2015. Collection method: not provided. Allele origin: germline. Inheritance: Autosomal recessive inheritance. Affected: yes.

NM_170707.4(LMNA):c.357-4032G>A

Gene: LMNA (lamin A/C; plus strand). Cytogenetic location: 1q22.
Variant type: single nucleotide variant.
Coding change: c.357-4032G>A on transcript NM_170707.4 (MANE Select); 4032 bases into the intron before coding-DNA position 357, G replaced by A.
Molecular consequence: intron variant.
Genome position (GRCh38, 1-based): chr1:156,126,585, G>A. VCF-style: chr1-156126585-G-A. GRCh37 (hg19) VCF-style: chr1-156096376-G-A.
Other names: c.357-4032G>A (NM_001282625.2, NM_001282626.2, NM_170708.4 and 2 more transcripts); c.20+362G>A (NM_001257374.3); c.-67-151G>A (NM_001282624.2).
Identifiers: ClinVar variation 675370 (VCV000675370.3), dbSNP rs6657367, ClinGen allele CA052804.